The following is an entry in ClinVar:

ClinVar aggregate classification (germline): Uncertain significance (1 of 4 stars; one submission).

Submission:

GeneDx
Classification: Uncertain significance. Last evaluated: 2023-05-18. Review status: criteria provided, single submitter. Criteria: GeneDx Variant Classification Process June 2021. Collection method: clinical testing. Allele origin: germline. Affected: yes.
Comment: Not observed at significant frequency in large population cohorts (gnomAD); In silico analysis supports that this missense variant has a deleterious effect on protein structure/function; Has not been previously published as pathogenic or benign to our knowledge

NM_005027.4(PIK3R2):c.2000A>G (p.His667Arg)

Gene: PIK3R2 (phosphoinositide-3-kinase regulatory subunit 2; plus strand). Cytogenetic location: 19p13.11.
Variant type: single nucleotide variant.
Coding change: c.2000A>G on transcript NM_005027.4 (MANE Select); coding-DNA position 2000, A replaced by G.
Protein change: p.His667Arg; replaces histidine 667 with arginine.
Molecular consequence: missense variant. On other transcripts: non-coding transcript variant (2).
Genome position (GRCh38, 1-based): chr19:18,169,107, A>G. VCF-style: chr19-18169107-A-G. GRCh37 (hg19) VCF-style: chr19-18279917-A-G.
Other names: short protein forms H667R.
Identifiers: ClinVar variation 3343396 (VCV003343396.1).